The following is an entry in ClinVar:

NM_001244008.2(KIF1A):c.3928G>A (p.Asp1310Asn)

Gene: KIF1A (kinesin family member 1A; minus strand). Cytogenetic location: 2q37.3.
Variant type: single nucleotide variant.
Coding change: c.3928G>A on transcript NM_001244008.2 (MANE Select); coding-DNA position 3928, G replaced by A.
Protein change: p.Asp1310Asn; replaces aspartic acid 1310 with asparagine.
Molecular consequence: missense variant.
Genome position (GRCh38, 1-based): chr2:240,737,142, C>T on the plus strand (G>A on the coding strand, the complement: KIF1A is on the minus strand). VCF-style: chr2-240737142-C-T. GRCh37 (hg19) VCF-style: chr2-241676559-C-T.
Other names: c.3928G>A (NM_001244008.1); c.3652G>A, p.Asp1218Asn (NM_001320705.2, NM_001330289.2, NM_001379638.1); c.3727G>A, p.Asp1243Asn (NM_001330290.2, NM_001379634.1, NM_001379635.1 and 1 more transcripts); c.4003G>A, p.Asp1335Asn (NM_001379631.1); c.3877G>A, p.Asp1293Asn (NM_001379632.1); c.3901G>A, p.Asp1301Asn (NM_001379633.1, NM_001379642.1, NM_001379645.1); c.3739G>A, p.Asp1247Asn (NM_001379636.1); c.3700G>A, p.Asp1234Asn (NM_001379637.1, NM_001379648.1); and 2 more; short protein forms D1209N, D1310N, D1243N, D1218N, D1208N, D1234N, D1247N, D1293N.
Identifiers: ClinVar variation 451113 (VCV000451113.49), dbSNP rs371252476, ClinGen allele CA2207576.

ClinVar aggregate classification (germline): Conflicting classifications of pathogenicity. Review status: criteria provided, conflicting classifications (1 of 4 stars). 5 submissions from 5 submitters: Uncertain significance (3); Likely benign (1). 1 of the submissions does not count toward it. Last evaluated 2025-12-30.

Conditions:
Inborn genetic diseases. Identifiers: MedGen C0950123, MeSH D030342.
KIF1A-related disorder. Also called: KIF1A-related disorders; KIF1A-related condition.
Hereditary spastic paraplegia 30. Identifiers: Orphanet 101010, MedGen C5235139, MONDO:0012476.
Neuropathy, hereditary sensory, type 2C. Also called: Hereditary sensory and autonomic neuropathy type IIC; KIF1A-Related HSAN2 (HSAN2C). Identifiers: Orphanet 970, MedGen C3280168, MONDO:0013634, OMIM 614213.
Intellectual disability, autosomal dominant 9 (NESCAVS). Also called: NESCAV SYNDROME; KIF1A-Related Neurodevelopmental Disorder. Identifiers: Orphanet 662367, MedGen C5393830, MONDO:0013656, OMIM 614255.

Allele frequency attached by ClinVar (database versions not stated): gnomAD 0.00005; TOPMed 0.00006; ESP Exome Variant Server 0.00024.
gnomAD v4.1: 72 of 1,613,480 alleles (0.0045%); highest among the groups gnomAD compares: South Asian, 0.037%; 1 homozygote.

Submissions (5):

Labcorp Genetics (formerly Invitae), Labcorp
Classification: Likely benign for Hereditary spastic paraplegia 30; Neuropathy, hereditary sensory, type 2C; Intellectual disability, autosomal dominant 9. Last evaluated: 2025-12-30. Review status: criteria provided, single submitter. Criteria: Invitae Variant Classification Sherloc (09022015). Collection method: clinical testing. Allele origin: germline.

GeneDx
Classification: Uncertain significance. Last evaluated: 2022-12-28. Review status: criteria provided, single submitter. Criteria: GeneDx Variant Classification Process June 2021. Collection method: clinical testing. Allele origin: germline. Affected: yes.
Comment: In silico analysis supports that this missense variant has a deleterious effect on protein structure/function; Has not been previously published as pathogenic or benign to our knowledge

CeGaT Center for Human Genetics Tuebingen
Classification: Uncertain significance. Last evaluated: 2022-06-01. Review status: criteria provided, single submitter. Criteria: CeGaT Center For Human Genetics Tuebingen Variant Classification Criteria Version 2. Collection method: clinical testing. Allele origin: germline. Affected: yes. Observed: 1 variant allele.
Comment: KIF1A: PP2

Ambry Genetics
Classification: Uncertain significance for Inborn genetic diseases. Last evaluated: 2016-08-23. Review status: criteria provided, single submitter. Criteria: Ambry Variant Classification Scheme 2023. Collection method: clinical testing. Allele origin: germline.
Comment: The p.D1209N variant (also known as c.3625G>A), located in coding exon 35 of the KIF1A gene, results from a G to A substitution at nucleotide position 3625. The aspartic acid at codon 1209 is replaced by asparagine, an amino acid with highly similar properties. This variant was previously reported in the SNPDatabase as rs371252476. Based on data from the NHLBI Exome Sequencing Project (ESP), the A allele has an overall frequency of approximately 0.02% (3/12350) total alleles studied and 0.04% (3/8340) European American alleles. Allele frequency data for this nucleotide position is not currently available from the 1000 Genomes Project. This amino acid position is highly conserved in available vertebrate species. In addition, this alteration is predicted to be tolerated by in silico analysis. Since supporting evidence is limited at this time, the clinical significance of this variant remains unclear.

PreventionGenetics, part of Exact Sciences
Classification: Likely benign for KIF1A-related condition. Last evaluated: 2023-08-17. Review status: no assertion criteria provided. Collection method: clinical testing. Allele origin: germline. Not counted in ClinVar's aggregate classification.
Comment: This variant is classified as likely benign based on ACMG/AMP sequence variant interpretation guidelines (Richards et al. 2015 PMID: 25741868, with internal and published modifications).